The following is an entry in ClinVar:

ClinVar aggregate classification (germline): Uncertain significance (1 of 4 stars; one submission).

Conditions:
Loeys-Dietz syndrome 4 (LDS4). Also called: ANEURYSM, AORTIC AND CEREBRAL, WITH ARTERIAL TORTUOSITY AND SKELETAL MANIFESTATIONS; TGFB2-Related Loeys-Dietz Syndrome. Identifiers: MedGen C3553762, MONDO:0013897, OMIM 614816.

gnomAD v4.1: 1 of 1,614,148 alleles (0.000062%); highest among the groups gnomAD compares: Non-Finnish European, 0.000085%; no homozygotes.

Submission:

Labcorp Genetics (formerly Invitae), Labcorp
Classification: Uncertain significance for Loeys-Dietz syndrome 4. Last evaluated: 2024-07-18. Review status: criteria provided, single submitter. Criteria: Invitae Variant Classification Sherloc (09022015). Collection method: clinical testing. Allele origin: germline.
Comment: This sequence change replaces glutamine, which is neutral and polar, with proline, which is neutral and non-polar, at codon 79 of the TGFB2 protein (p.Gln79Pro). This variant is not present in population databases (gnomAD no frequency). This variant has not been reported in the literature in individuals affected with TGFB2-related conditions. Advanced modeling of protein sequence and biophysical properties (such as structural, functional, and spatial information, amino acid conservation, physicochemical variation, residue mobility, and thermodynamic stability) performed at Invitae indicates that this missense variant is not expected to disrupt TGFB2 protein function with a negative predictive value of 80%. In summary, the available evidence is currently insufficient to determine the role of this variant in disease. Therefore, it has been classified as a Variant of Uncertain Significance.

NM_003238.6(TGFB2):c.236A>C (p.Gln79Pro)

Gene: TGFB2 (transforming growth factor beta 2; plus strand). Cytogenetic location: 1q41.
Variant type: single nucleotide variant.
Coding change: c.236A>C on transcript NM_003238.6 (MANE Select); coding-DNA position 236, A replaced by C.
Protein change: p.Gln79Pro; replaces glutamine 79 with proline.
Molecular consequence: missense variant. On other transcripts: non-coding transcript variant (2).
Genome position (GRCh38, 1-based): chr1:218,346,937, A>C. VCF-style: chr1-218346937-A-C. GRCh37 (hg19) VCF-style: chr1-218520279-A-C.
Other names: c.236A>C, p.Gln79Pro (NM_001135599.4); short protein forms Q79P.
Identifiers: ClinVar variation 3667882 (VCV003667882.2).